The following is an entry in ClinVar:

ClinVar aggregate classification (germline): Uncertain significance (1 of 4 stars; one submission).

Allele frequency attached by ClinVar (database versions not stated): TOPMed 0.00001; gnomAD 0.00003; 1000 Genomes Project 30x 0.00031; 1000 Genomes Project 0.00040.
gnomAD v4.1: 11 of 1,609,246 alleles (0.00068%); highest among the groups gnomAD compares: East Asian, 0.0089%; no homozygotes.

Submission:

Labcorp Genetics (formerly Invitae), Labcorp
Classification: Uncertain significance. Last evaluated: 2022-02-18. Review status: criteria provided, single submitter. Criteria: Invitae Variant Classification Sherloc (09022015). Collection method: clinical testing. Allele origin: germline.
Comment: This sequence change replaces asparagine, which is neutral and polar, with serine, which is neutral and polar, at codon 1202 of the LRPPRC protein (p.Asn1202Ser). This variant is present in population databases (rs551840833, gnomAD 0.01%). This variant has not been reported in the literature in individuals affected with LRPPRC-related conditions. Algorithms developed to predict the effect of missense changes on protein structure and function output the following: SIFT: "Tolerated"; PolyPhen-2: "Benign"; Align-GVGD: "Class C0". The serine amino acid residue is found in multiple mammalian species, which suggests that this missense change does not adversely affect protein function. Algorithms developed to predict the effect of sequence changes on RNA splicing suggest that this variant may create or strengthen a splice site. In summary, the available evidence is currently insufficient to determine the role of this variant in disease. Therefore, it has been classified as a Variant of Uncertain Significance.

NM_133259.4(LRPPRC):c.3605A>G (p.Asn1202Ser)

Gene: LRPPRC (leucine rich pentatricopeptide repeat containing; minus strand). Cytogenetic location: 2p21.
Variant type: single nucleotide variant.
Coding change: c.3605A>G on transcript NM_133259.4 (MANE Select); coding-DNA position 3605, A replaced by G.
Protein change: p.Asn1202Ser; replaces asparagine 1202 with serine.
Molecular consequence: missense variant.
Genome position (GRCh38, 1-based): chr2:43,899,570, T>C on the plus strand (A>G on the coding strand, the complement: LRPPRC is on the minus strand). VCF-style: chr2-43899570-T-C. GRCh37 (hg19) VCF-style: chr2-44126709-T-C.
Other names: short protein forms N1202S.
Identifiers: ClinVar variation 2164823 (VCV002164823.1), dbSNP rs551840833, ClinGen allele CA1638014.